The following is an entry in ClinVar:

NM_000088.4(COL1A1):c.1396G>A (p.Glu466Lys)

Gene: COL1A1 (collagen type I alpha 1 chain; minus strand). Cytogenetic location: 17q21.33.
Variant type: single nucleotide variant.
Coding change: c.1396G>A on transcript NM_000088.4 (MANE Select); coding-DNA position 1396, G replaced by A.
Protein change: p.Glu466Lys; replaces glutamic acid 466 with lysine.
Molecular consequence: missense variant.
Genome position (GRCh38, 1-based): chr17:50,194,786, C>T on the plus strand (G>A on the coding strand, the complement: COL1A1 is on the minus strand). VCF-style: chr17-50194786-C-T. GRCh37 (hg19) VCF-style: chr17-48272147-C-T.
Other names: short protein forms E466K.
Identifiers: ClinVar variation 4883461 (VCV004883461.2).

ClinVar aggregate classification (germline): Uncertain significance (1 of 4 stars; one submission).

Submission:

Dasa
Classification: Uncertain significance. Last evaluated: 2024-04-26. Review status: criteria provided, single submitter. Criteria: DASA Assertion Criteria. Collection method: clinical testing. Allele origin: germline.
Comment: NM_000088.4(COL1A1):c.1396G>A (p.Glu466Lys) is a missense variant that results in the substitution of glutamic acid with lysine. This variant is absent from population databases. The currently available literature and clinical evidence are not sufficient to establish a definitive association between this variant and the reported condition. Therefore, this variant is classified as a variant of uncertain significance.